The following is an entry in ClinVar:

NM_020376.4(PNPLA2):c.1459T>C (p.Leu487=)

Gene: PNPLA2 (patatin like domain 2, triacylglycerol lipase; plus strand). Cytogenetic location: 11p15.5.
Variant type: single nucleotide variant.
Coding change: c.1459T>C on transcript NM_020376.4 (MANE Select); coding-DNA position 1459, T replaced by C.
Protein change: p.Leu487=; no amino-acid change (leucine 487 retained).
Molecular consequence: synonymous variant.
Genome position (GRCh38, 1-based): chr11:824,806, T>C. VCF-style: chr11-824806-T-C. GRCh37 (hg19) VCF-style: chr11-824806-T-C.
Other names: p.Leu487=.
Identifiers: ClinVar variation 4683575 (VCV004683575.1).

ClinVar aggregate classification (germline): Likely benign (1 of 4 stars; one submission).

gnomAD v4.1: 43 of 1,534,194 alleles (0.0028%); highest among the groups gnomAD compares: African/African-American, 0.055%; no homozygotes.

Submission:

Mayo Clinic Laboratories, Mayo Clinic
Classification: Likely benign. Last evaluated: 2025-10-07. Review status: criteria provided, single submitter. Criteria: ACMG Guidelines, 2015. Collection method: clinical testing. Allele origin: germline. Observed: 1 variant allele.
Comment: BP4, BP7, PM2_supporting